The following is an entry in ClinVar:

ClinVar aggregate classification (germline): Uncertain significance (1 of 4 stars; one submission).

gnomAD v4.1: 1 of 1,613,844 alleles (0.000062%); highest among the groups gnomAD compares: Non-Finnish European, 0.000085%; no homozygotes.

Submission:

GeneDx
Classification: Uncertain significance. Last evaluated: 2026-04-08. Review status: criteria provided, single submitter. Criteria: GeneDx Variant Classification Process June 2021. Collection method: clinical testing. Allele origin: germline.
Comment: Not observed at significant frequency in large population cohorts (gnomAD); In silico analysis supports that this missense variant has a deleterious effect on protein structure/function; Has not been previously published as pathogenic or benign to our knowledge

NM_001080421.3(UNC13A):c.3418G>A (p.Glu1140Lys)

Gene: UNC13A (unc-13 homolog A; minus strand). Cytogenetic location: 19p13.11.
Variant type: single nucleotide variant.
Coding change: c.3418G>A on transcript NM_001080421.3 (MANE Select); coding-DNA position 3418, G replaced by A.
Protein change: p.Glu1140Lys; replaces glutamic acid 1140 with lysine.
Molecular consequence: missense variant.
Genome position (GRCh38, 1-based): chr19:17,632,792, C>T on the plus strand (G>A on the coding strand, the complement: UNC13A is on the minus strand). VCF-style: chr19-17632792-C-T. GRCh37 (hg19) VCF-style: chr19-17743601-C-T.
Other names: c.3412G>A, p.Glu1138Lys (NM_001387021.1, NM_001387022.1, NM_001387023.1); short protein forms E1138K, E1140K.
Identifiers: ClinVar variation 5018374 (VCV005018374.1).